The following is an entry in ClinVar:

NM_000540.3(RYR1):c.11254T>C (p.Phe3752Leu)

Gene: RYR1 (ryanodine receptor 1; plus strand). Cytogenetic location: 19q13.2.
Variant type: single nucleotide variant.
Coding change: c.11254T>C on transcript NM_000540.3 (MANE Select); coding-DNA position 11254, T replaced by C.
Protein change: p.Phe3752Leu; replaces phenylalanine 3752 with leucine.
Molecular consequence: missense variant.
Genome position (GRCh38, 1-based): chr19:38,532,731, T>C. VCF-style: chr19-38532731-T-C. GRCh37 (hg19) VCF-style: chr19-39023371-T-C.
Other names: c.11239T>C, p.Phe3747Leu (NM_001042723.2); short protein forms F3747L, F3752L.
Identifiers: ClinVar variation 1364667 (VCV001364667.9), dbSNP rs2145737256, ClinGen allele CA405653403.

ClinVar aggregate classification (germline): Uncertain significance (1 of 4 stars; one submission).

Conditions:
RYR1-related disorder. Also called: RYR1-related condition; RYR1-related disorders. Identifiers: MedGen CN239331.

Submission:

Labcorp Genetics (formerly Invitae), Labcorp
Classification: Uncertain significance for RYR1-related disorder. Last evaluated: 2022-06-20. Review status: criteria provided, single submitter. Criteria: Invitae Variant Classification Sherloc (09022015). Collection method: clinical testing. Allele origin: germline.
Comment: Advanced modeling of protein sequence and biophysical properties (such as structural, functional, and spatial information, amino acid conservation, physicochemical variation, residue mobility, and thermodynamic stability) performed at Invitae indicates that this missense variant is not expected to disrupt RYR1 protein function. In summary, the available evidence is currently insufficient to determine the role of this variant in disease. Therefore, it has been classified as a Variant of Uncertain Significance. This variant has not been reported in the literature in individuals affected with RYR1-related conditions. This variant is not present in population databases (gnomAD no frequency). This sequence change replaces phenylalanine, which is neutral and non-polar, with leucine, which is neutral and non-polar, at codon 3752 of the RYR1 protein (p.Phe3752Leu).